The following is an entry in ClinVar:

ClinVar aggregate classification (germline): Uncertain significance (1 of 4 stars; one submission).

Conditions:
Neurodevelopmental disorder with or without hyperkinetic movements and seizures, autosomal dominant. Also called: Intellectual disability, autosomal dominant 8. Identifiers: MedGen C3280282, MONDO:0013655, OMIM 614254.

Submission:

Labcorp Genetics (formerly Invitae), Labcorp
Classification: Uncertain significance for Neurodevelopmental disorder with or without hyperkinetic movements and seizures, autosomal dominant. Last evaluated: 2023-05-31. Review status: criteria provided, single submitter. Criteria: Invitae Variant Classification Sherloc (09022015). Collection method: clinical testing. Allele origin: germline.
Comment: In summary, the available evidence is currently insufficient to determine the role of this variant in disease. Therefore, it has been classified as a Variant of Uncertain Significance. Advanced modeling of protein sequence and biophysical properties (such as structural, functional, and spatial information, amino acid conservation, physicochemical variation, residue mobility, and thermodynamic stability) has been performed at Invitae for this missense variant, however the output from this modeling did not meet the statistical confidence thresholds required to predict the impact of this variant on GRIN1 protein function. This variant has not been reported in the literature in individuals affected with GRIN1-related conditions. This variant is not present in population databases (gnomAD no frequency). This sequence change replaces leucine, which is neutral and non-polar, with glutamine, which is neutral and polar, at codon 752 of the GRIN1 protein (p.Leu752Gln).

NM_007327.4(GRIN1):c.2255T>A (p.Leu752Gln)

Gene: GRIN1 (glutamate ionotropic receptor NMDA type subunit 1; plus strand). Cytogenetic location: 9q34.3.
Variant type: single nucleotide variant.
Coding change: c.2255T>A on transcript NM_007327.4 (MANE Select); coding-DNA position 2255, T replaced by A.
Protein change: p.Leu752Gln; replaces leucine 752 with glutamine.
Molecular consequence: missense variant.
Genome position (GRCh38, 1-based): chr9:137,163,252, T>A. VCF-style: chr9-137163252-T-A. GRCh37 (hg19) VCF-style: chr9-140057704-T-A.
Other names: c.2255T>A, p.Leu752Gln (NM_000832.7, NM_021569.4); c.2318T>A, p.Leu773Gln (NM_001185090.2, NM_001185091.2); short protein forms L773Q, L752Q.
Identifiers: ClinVar variation 2752829 (VCV002752829.3), dbSNP rs2538645441, ClinGen allele CA375723947.